The following is an entry in ClinVar:

ClinVar aggregate classification (germline): Pathogenic (1 of 4 stars; one submission).

Allele frequency attached by ClinVar (database versions not stated): gnomAD exomes 0.00001.

Submission:

Labcorp Genetics (formerly Invitae), Labcorp
Classification: Pathogenic. Last evaluated: 2023-05-10. Review status: criteria provided, single submitter. Criteria: Invitae Variant Classification Sherloc (09022015). Collection method: clinical testing. Allele origin: germline.
Comment: This variant is not present in population databases (gnomAD no frequency). For these reasons, this variant has been classified as Pathogenic. ClinVar contains an entry for this variant (Variation ID: 1395721). This variant has not been reported in the literature in individuals affected with COL18A1-related conditions. This sequence change creates a premature translational stop signal (p.Pro854Serfs*10) in the COL18A1 gene. It is expected to result in an absent or disrupted protein product. Loss-of-function variants in COL18A1 are known to be pathogenic (PMID: 12415512, 25456301).

Literature cited by the submitters: PubMed 12415512; PubMed 25456301.

NM_001379500.1(COL18A1):c.2558dup (p.Pro854fs)

Gene: COL18A1 (collagen type XVIII alpha 1 chain; plus strand). Cytogenetic location: 21q22.3.
Variant type: Duplication.
Coding change: c.2558dup on transcript NM_001379500.1 (MANE Select); coding-DNA position 2558, one base duplicated (C; older notation c.2558dupC).
Protein change: p.Pro854fs; shifts the reading frame from proline 854.
Molecular consequence: frameshift variant.
Genome position (GRCh38, 1-based): chr21:45,496,549, C duplicated. VCF-style (leftmost placement, unchanged base first): chr21-45496548-A-AC. GRCh37 (hg19) VCF-style: chr21-46916462-A-AC.
Other names: c.3098dup, p.Pro1034fs (NM_030582.4); c.3803dup, p.Pro1269fs (NM_130444.3); short protein forms P1034fs, P1269fs, P854fs.
Identifiers: ClinVar variation 1395721 (VCV001395721.6), dbSNP rs760707447, ClinGen allele CA321919866.